The following is an entry in ClinVar:

NM_001134363.3(RBM20):c.1337+160G>A

Gene: RBM20 (RNA binding motif protein 20; plus strand). Cytogenetic location: 10q25.2.
Variant type: single nucleotide variant.
Coding change: c.1337+160G>A on transcript NM_001134363.3 (MANE Select); 160 bases into the intron after coding-DNA position 1337, G replaced by A.
Molecular consequence: intron variant.
Genome position (GRCh38, 1-based): chr10:110,783,587, G>A. VCF-style: chr10-110783587-G-A. GRCh37 (hg19) VCF-style: chr10-112543345-G-A.
Identifiers: ClinVar variation 673055 (VCV000673055.2), dbSNP rs1570426, ClinGen allele CA13313022.
Genomic context (GRCh38, chr10:110,783,587, plus strand): 5'-GCAGAGACCAGAACAGGCAAAGTTCCTGCCCTCAAGGAGCTTGTGCTTCACAGGGGCCAG[G>A]GAGATGATAAACAAAATGAACAAGAAAATTACAGCATCCCTGGTGGTAAATGCTAGGCAG-3'

ClinVar aggregate classification (germline): Benign. Review status: criteria provided, multiple submitters, no conflicts (2 of 4 stars). 2 submissions from 2 submitters: Benign (2). Last evaluated 2018-06-14.

Allele frequency attached by ClinVar (database versions not stated): 1000 Genomes Project 30x 0.09026; 1000 Genomes Project 0.09046; gnomAD 0.10667 and 0.10850; TOPMed 0.10830.
gnomAD v4.1: 16,151 of 152,214 alleles (11%); highest among the groups gnomAD compares: African/African-American, 13%; 901 homozygotes.

Submissions (2):

GeneDx
Classification: Benign. Last evaluated: 2018-06-14. Review status: criteria provided, single submitter. Criteria: GeneDx Variant Classification (06012015). Collection method: clinical testing. Allele origin: germline. Affected: yes.
Comment: This variant is considered likely benign or benign based on one or more of the following criteria: it is a conservative change, it occurs at a poorly conserved position in the protein, it is predicted to be benign by multiple in silico algorithms, and/or has population frequency not consistent with disease.

Breakthrough Genomics
Classification: Benign. Review status: criteria provided, single submitter. Criteria: ACMG Guidelines, 2015. Collection method: not provided. Allele origin: germline. Inheritance: Autosomal dominant inheritance. Affected: yes.